The following is an entry in ClinVar:

ClinVar aggregate classification (germline): Uncertain significance. Review status: criteria provided, multiple submitters, no conflicts (2 of 4 stars). 2 submissions from 2 submitters: Uncertain significance (2). Last evaluated 2024-11-28.

Conditions:
Inborn genetic diseases. Identifiers: MedGen C0950123, MeSH D030342.

gnomAD v4.1: 31 of 1,613,750 alleles (0.0019%); highest among the groups gnomAD compares: Middle Eastern, 0.016%; no homozygotes.

Submissions (2):

Ambry Genetics
Classification: Uncertain significance for Inborn genetic diseases. Last evaluated: 2024-11-28. Review status: criteria provided, single submitter. Criteria: Ambry Variant Classification Scheme 2023. Collection method: clinical testing. Allele origin: germline.

GeneDx
Classification: Uncertain significance. Last evaluated: 2024-07-10. Review status: criteria provided, single submitter. Criteria: GeneDx Variant Classification Process June 2021. Collection method: clinical testing. Allele origin: germline. Affected: yes.
Comment: Not observed at significant frequency in large population cohorts (gnomAD); In silico analysis indicates that this missense variant does not alter protein structure/function; Has not been previously published as pathogenic or benign to our knowledge

NM_016239.4(MYO15A):c.3901A>G (p.Lys1301Glu)

Gene: MYO15A (myosin XVA; plus strand). Cytogenetic location: 17p11.2.
Variant type: single nucleotide variant.
Coding change: c.3901A>G on transcript NM_016239.4 (MANE Select); coding-DNA position 3901, A replaced by G.
Protein change: p.Lys1301Glu; replaces lysine 1301 with glutamic acid.
Molecular consequence: missense variant.
Genome position (GRCh38, 1-based): chr17:18,126,825, A>G. VCF-style: chr17-18126825-A-G. GRCh37 (hg19) VCF-style: chr17-18030139-A-G.
Other names: short protein forms K1301E.
Identifiers: ClinVar variation 3401240 (VCV003401240.2).